The following is an entry in ClinVar:

NM_000089.4(COL1A2):c.1930G>A (p.Glu644Lys)

Gene: COL1A2 (collagen type I alpha 2 chain; plus strand). Cytogenetic location: 7q21.3.
Variant type: single nucleotide variant.
Coding change: c.1930G>A on transcript NM_000089.4 (MANE Select); coding-DNA position 1930, G replaced by A.
Protein change: p.Glu644Lys; replaces glutamic acid 644 with lysine.
Molecular consequence: missense variant.
Genome position (GRCh38, 1-based): chr7:94,417,790, G>A. VCF-style: chr7-94417790-G-A. GRCh37 (hg19) VCF-style: chr7-94047102-G-A.
Other names: short protein forms E644K.
Identifiers: ClinVar variation 1305124 (VCV001305124.8), dbSNP rs143178652, ClinGen allele CA162930329.

ClinVar aggregate classification (germline): Uncertain significance. Review status: criteria provided, multiple submitters, no conflicts (2 of 4 stars). 2 submissions from 2 submitters: Uncertain significance (2). Last evaluated 2025-04-09.

Conditions:
Osteogenesis imperfecta type I (OI1). Also called: OI, TYPE I; OSTEOGENESIS IMPERFECTA TARDA; OSTEOGENESIS IMPERFECTA WITH BLUE SCLERAE; Osteogenesis imperfecta type 1; Lobstein's Disease; Lobstein disease. Identifiers: Orphanet 216796, Orphanet 666, MedGen C0023931, MONDO:0008146, OMIM 166200. Disease mechanism: loss of function.
Ehlers-Danlos syndrome, classic type, 1 (EDSCL1). Also called: EHLERS-DANLOS SYNDROME, GRAVIS TYPE; EHLERS-DANLOS SYNDROME, SEVERE CLASSIC TYPE; Ehlers-Danlos syndrome, type 1; EDS I; Ehlers-Danlos Syndrome, Classic Type, COL5A1-Related. Identifiers: MedGen C0268335, MONDO:0019567, OMIM 130000.

Allele frequency attached by ClinVar (database versions not stated): gnomAD 0.00001; TOPMed 0.00001; gnomAD exomes 0.00001 and below 0.00001; ESP Exome Variant Server 0.00008.
gnomAD v4.1: 6 of 1,604,712 alleles (0.00037%); highest among the groups gnomAD compares: Non-Finnish European, 0.00051%; no homozygotes.

Submissions (2):

Labcorp Genetics (formerly Invitae), Labcorp
Classification: Uncertain significance for Osteogenesis imperfecta type I; Ehlers-Danlos syndrome, classic type, 1. Last evaluated: 2025-04-09. Review status: criteria provided, single submitter. Criteria: Invitae Variant Classification Sherloc (09022015). Collection method: clinical testing. Allele origin: germline.
Comment: This sequence change replaces glutamic acid, which is acidic and polar, with lysine, which is basic and polar, at codon 644 of the COL1A2 protein (p.Glu644Lys). This variant is present in population databases (rs143178652, gnomAD 0.002%). This variant has not been reported in the literature in individuals affected with COL1A2-related conditions. ClinVar contains an entry for this variant (Variation ID: 1305124). Invitae Evidence Modeling of protein sequence and biophysical properties (such as structural, functional, and spatial information, amino acid conservation, physicochemical variation, residue mobility, and thermodynamic stability) has been performed for this missense variant. However, the output from this modeling did not meet the statistical confidence thresholds required to predict the impact of this variant on COL1A2 protein function. In summary, the available evidence is currently insufficient to determine the role of this variant in disease. Therefore, it has been classified as a Variant of Uncertain Significance.

GeneDx
Classification: Uncertain significance. Last evaluated: 2023-11-09. Review status: criteria provided, single submitter. Criteria: GeneDx Variant Classification Process June 2021. Collection method: clinical testing. Allele origin: germline. Affected: yes.
Comment: Not observed at significant frequency in large population cohorts (gnomAD); In silico analysis supports that this missense variant has a deleterious effect on protein structure/function; Occurs in the triple helical domain at the X position in the canonical Gly-X-Y repeat; although this variant may have an effect on normal protein folding and function, missense substitution at the X position is not a common mechanism of disease (HGMD); Has not been previously published as pathogenic or benign to our knowledge